The following is an entry in ClinVar:

NM_014391.3(ANKRD1):c.337G>A (p.Glu113Lys)

Gene: ANKRD1 (ankyrin repeat domain 1; minus strand). Cytogenetic location: 10q23.31.
Variant type: single nucleotide variant.
Coding change: c.337G>A on transcript NM_014391.3 (MANE Select); coding-DNA position 337, G replaced by A.
Protein change: p.Glu113Lys; replaces glutamic acid 113 with lysine.
Molecular consequence: missense variant.
Genome position (GRCh38, 1-based): chr10:90,919,139, C>T on the plus strand (G>A on the coding strand, the complement: ANKRD1 is on the minus strand). VCF-style: chr10-90919139-C-T. GRCh37 (hg19) VCF-style: chr10-92678896-C-T.
Other names: short protein forms E113K.
Identifiers: ClinVar variation 1016565 (VCV001016565.8), dbSNP rs183324142, ClinGen allele CA377552414.

ClinVar aggregate classification (germline): Uncertain significance (1 of 4 stars; one submission).

Conditions:
ANKRD1-related dilated cardiomyopathy. Identifiers: MedGen CN119551.

Submission:

Labcorp Genetics (formerly Invitae), Labcorp
Classification: Uncertain significance for ANKRD1-related dilated cardiomyopathy. Last evaluated: 2020-06-16. Review status: criteria provided, single submitter. Criteria: Invitae Variant Classification Sherloc (09022015). Collection method: clinical testing. Allele origin: germline.
Comment: In summary, the available evidence is currently insufficient to determine the role of this variant in disease. Therefore, it has been classified as a Variant of Uncertain Significance. Algorithms developed to predict the effect of missense changes on protein structure and function are either unavailable or do not agree on the potential impact of this missense change (SIFT: "Deleterious"; PolyPhen-2: "Benign"; Align-GVGD: "Class C0"). This variant has not been reported in the literature in individuals with ANKRD1-related conditions. This variant is not present in population databases (ExAC no frequency). This sequence change replaces glutamic acid with lysine at codon 113 of the ANKRD1 protein (p.Glu113Lys). The glutamic acid residue is highly conserved and there is a small physicochemical difference between glutamic acid and lysine.